The following is an entry in ClinVar:

ClinVar aggregate classification (germline): Uncertain significance (1 of 4 stars; one submission).

Submission:

Labcorp Genetics (formerly Invitae), Labcorp
Classification: Uncertain significance. Last evaluated: 2022-07-13. Review status: criteria provided, single submitter. Criteria: Invitae Variant Classification Sherloc (09022015). Collection method: clinical testing. Allele origin: germline.
Comment: This sequence change replaces glycine, which is neutral and non-polar, with valine, which is neutral and non-polar, at codon 787 of the COL11A1 protein (p.Gly787Val). This variant is not present in population databases (gnomAD no frequency). This variant has not been reported in the literature in individuals affected with COL11A1-related conditions. Advanced modeling of protein sequence and biophysical properties (such as structural, functional, and spatial information, amino acid conservation, physicochemical variation, residue mobility, and thermodynamic stability) performed at Invitae indicates that this missense variant is expected to disrupt COL11A1 protein function. In summary, the available evidence is currently insufficient to determine the role of this variant in disease. Therefore, it has been classified as a Variant of Uncertain Significance.

NM_001854.4(COL11A1):c.2360G>T (p.Gly787Val)

Gene: COL11A1 (collagen type XI alpha 1 chain; minus strand). Cytogenetic location: 1p21.1.
Variant type: single nucleotide variant.
Coding change: c.2360G>T on transcript NM_001854.4 (MANE Select); coding-DNA position 2360, G replaced by T.
Protein change: p.Gly787Val; replaces glycine 787 with valine.
Molecular consequence: missense variant. On other transcripts: non-coding transcript variant (1).
Genome position (GRCh38, 1-based): chr1:102,989,552, C>A on the plus strand (G>T on the coding strand, the complement: COL11A1 is on the minus strand). VCF-style: chr1-102989552-C-A. GRCh37 (hg19) VCF-style: chr1-103455108-C-A.
Other names: c.2012G>T, p.Gly671Val (NM_001168249.1, NM_080630.4); c.2243G>T, p.Gly748Val (NM_001190709.2); c.2396G>T, p.Gly799Val (NM_080629.3); short protein forms G671V, G748V, G799V, G787V.
Identifiers: ClinVar variation 2013592 (VCV002013592.4), dbSNP rs2525224825, ClinGen allele CA341167116.